The following is an entry in ClinVar:

ClinVar aggregate classification (germline): Uncertain significance (1 of 4 stars; one submission).

Conditions:
Inborn genetic diseases. Identifiers: MedGen C0950123, MeSH D030342.

Submission:

Ambry Genetics
Classification: Uncertain significance for Inborn genetic diseases. Last evaluated: 2024-06-28. Review status: criteria provided, single submitter. Criteria: Ambry Variant Classification Scheme 2023. Collection method: clinical testing. Allele origin: germline.
Comment: The p.K329N variant (also known as c.987G>T), located in coding exon 9 of the MDH2 gene, results from a G to T substitution at nucleotide position 987. The lysine at codon 329 is replaced by asparagine, an amino acid with similar properties. This amino acid position is conserved. In addition, this alteration is predicted to be tolerated by in silico analysis. Based on the available evidence, the clinical significance of this variant remains unclear.

NM_005918.4(MDH2):c.987G>T (p.Lys329Asn)

Gene: MDH2 (malate dehydrogenase 2; plus strand). Cytogenetic location: 7q11.23.
Variant type: single nucleotide variant.
Coding change: c.987G>T on transcript NM_005918.4 (MANE Select); coding-DNA position 987, G replaced by T.
Protein change: p.Lys329Asn; replaces lysine 329 with asparagine.
Molecular consequence: missense variant.
Genome position (GRCh38, 1-based): chr7:76,066,380, G>T. VCF-style: chr7-76066380-G-T. GRCh37 (hg19) VCF-style: chr7-75695698-G-T.
Other names: c.861G>T, p.Lys287Asn (NM_001282403.2); c.666G>T, p.Lys222Asn (NM_001282404.2); short protein forms K222N, K329N, K287N.
Identifiers: ClinVar variation 3394056 (VCV003394056.1).
Genomic context (GRCh38, chr7:76,066,380, plus strand): 5'-CTCTTTTGAGGAGAAGATGATCTCGGATGCCATCCCCGAGCTGAAGGCCTCCATCAAGAA[G>T]GGGGAAGATTTCGTGAAGACCCTGAAGTGAGCCGCTGTGACGGGTGGCCAGTTTCCTTAA-3'
Protein context (NP_005909.2, residues 319-338): AIPELKASIK[Lys329Asn]GEDFVKTLK